The following is an entry in ClinVar:

ClinVar aggregate classification (germline): Likely benign. Review status: criteria provided, multiple submitters, no conflicts (2 of 4 stars). 3 submissions from 3 submitters: Likely benign (2). 1 of the submissions does not count toward it. Last evaluated 2025-11-30.

Conditions:
REEP6-related disorder. Also called: REEP6-related condition.

Allele frequency attached by ClinVar (database versions not stated): gnomAD exomes 0.00005 and 0.00018; ExAC 0.00025; gnomAD 0.00055 and 0.00060; 1000 Genomes Project 0.00060; TOPMed 0.00062; 1000 Genomes Project 30x 0.00078; ESP Exome Variant Server 0.00108.

Submissions (3):

Labcorp Genetics (formerly Invitae), Labcorp
Classification: Likely benign. Last evaluated: 2025-11-30. Review status: criteria provided, single submitter. Criteria: Invitae Variant Classification Sherloc (09022015). Collection method: clinical testing. Allele origin: germline.

Blueprint Genetics
Classification: Likely benign. Last evaluated: 2024-01-30. Review status: criteria provided, single submitter. Criteria: ACMG Guidelines, 2015. Collection method: clinical testing. Allele origin: germline.

PreventionGenetics, part of Exact Sciences
Classification: Likely benign for REEP6-related condition. Last evaluated: 2019-05-28. Review status: no assertion criteria provided. Collection method: clinical testing. Allele origin: germline. Not counted in ClinVar's aggregate classification.
Comment: This variant is classified as likely benign based on ACMG/AMP sequence variant interpretation guidelines (Richards et al. 2015 PMID: 25741868, with internal and published modifications).

NM_138393.4(REEP6):c.498G>A (p.Ala166=)

Gene: REEP6 (receptor accessory protein 6; plus strand). Cytogenetic location: 19p13.3.
Variant type: single nucleotide variant.
Coding change: c.498G>A on transcript NM_138393.4 (MANE Select); coding-DNA position 498, G replaced by A.
Protein change: p.Ala166=; no amino-acid change (alanine 166 retained).
Molecular consequence: synonymous variant.
Genome position (GRCh38, 1-based): chr19:1,496,434, G>A. VCF-style: chr19-1496434-G-A. GRCh37 (hg19) VCF-style: chr19-1496433-G-A.
Other names: c.498G>A, p.Ala166= (NM_001329556.3).
Identifiers: ClinVar variation 748462 (VCV000748462.14), dbSNP rs138150758, ClinGen allele CA9047597.
Genomic context (GRCh38, chr19:1,496,434, plus strand): 5'-GCACCACGGGGCCGTAGACAGAATCATGAACGACCTCAGCGGGCGAGCCCTGGACGCGGC[G>A]GCCGGAATAACCAGGAACGGTGGGTGCTCGCAGGCGCCTGGCTGCCTCAGGCCATCTCCC-3'
Protein context (NP_612402.1, residues 156-176): NDLSGRALDA[Ala166=]AGITRNVKPS